The following is an entry in ClinVar:

NM_001018005.2(TPM1):c.496G>A (p.Ala166Thr)

Gene: TPM1 (tropomyosin 1; plus strand). Cytogenetic location: 15q22.2.
Variant type: single nucleotide variant.
Coding change: c.496G>A on transcript NM_001018005.2 (MANE Select); coding-DNA position 496, G replaced by A.
Protein change: p.Ala166Thr; replaces alanine 166 with threonine.
Molecular consequence: missense variant.
Genome position (GRCh38, 1-based): chr15:63,060,872, G>A. VCF-style: chr15-63060872-G-A. GRCh37 (hg19) VCF-style: chr15-63353071-G-A.
Other names: c.496G>A, p.Ala166Thr (NM_000366.6, NM_001018004.2, NM_001018006.2 and 6 more transcripts); c.388G>A, p.Ala130Thr (NM_001018008.2, NM_001301289.2, NM_001330344.2 and 5 more transcripts); c.622G>A, p.Ala208Thr (NM_001365778.1); short protein forms A166T, A130T, A208T.
Identifiers: ClinVar variation 228297 (VCV000228297.5), dbSNP rs876657662, ClinGen allele CA10576996.
Genomic context (GRCh38, chr15:63,060,872, plus strand): 5'-TCTGTTACACAAAGCTTGCAAGACCCATGGTGTGTGTGTTGTGTCTTCCTGCTGCAGGTG[G>A]CCCGTAAGCTGGTCATCATTGAGAGCGACCTGGAACGTGCAGAGGAGCGGGCTGAGCTCT-3'
Protein context (NP_001018005.1, residues 156-176): EDADRKYEEV[Ala166Thr]RKLVIIESDL

ClinVar aggregate classification (germline): Likely pathogenic (1 of 4 stars; one submission).

Conditions:
Primary dilated cardiomyopathy (DCM). Also called: Dilated Cardiomyopathy. Identifiers: Orphanet 217604, MedGen C0007193, MeSH D002311, MONDO:0005021, HP:0001644. Inheritance: Various modes of inheritance.

Submission:

Laboratory for Molecular Medicine, Mass General Brigham Personalized Medicine
Classification: Likely pathogenic for Primary dilated cardiomyopathy. Last evaluated: 2016-03-16. Review status: criteria provided, single submitter. Criteria: LMM Criteria. Collection method: clinical testing. Allele origin: germline. Observed: 1 variant allele.
Comment: It has not been identified in lar ge population studies. Alanine (Ala) at position 166 of the TPM1 protein is high ly conserved in mammals and across evolutionarily distant species and the change to threonine (Thr) was predicted to be pathogenic using a computational tool cl inically validated by our laboratory. This tool's pathogenic prediction is estim ated to be correct 94% of the time (Jordan 2011). In summary, although additiona l studies are required to fully establish its clinical significance, this varian t is likely pathogenic.